The following is an entry in ClinVar:

ClinVar aggregate classification (germline): Uncertain significance (1 of 4 stars; one submission).

Conditions:
Inborn genetic diseases. Identifiers: MedGen C0950123, MeSH D030342.

Submission:

Ambry Genetics
Classification: Uncertain significance for Inborn genetic diseases. Last evaluated: 2022-05-21. Review status: criteria provided, single submitter. Criteria: Ambry Variant Classification Scheme 2023. Collection method: clinical testing. Allele origin: germline.
Comment: The p.L392R variant (also known as c.1175T>G), located in coding exon 3 of the NEFL gene, results from a T to G substitution at nucleotide position 1175. The leucine at codon 392 is replaced by arginine, an amino acid with dissimilar properties. This amino acid position is conserved. In addition, this alteration is predicted to be deleterious by in silico analysis. Since supporting evidence is limited at this time, the clinical significance of this alteration remains unclear.

NM_006158.5(NEFL):c.1175T>G (p.Leu392Arg)

Gene: NEFL (neurofilament light chain; minus strand). Cytogenetic location: 8p21.2.
Variant type: single nucleotide variant.
Coding change: c.1175T>G on transcript NM_006158.5 (MANE Select); coding-DNA position 1175, T replaced by G.
Protein change: p.Leu392Arg; replaces leucine 392 with arginine.
Molecular consequence: missense variant.
Genome position (GRCh38, 1-based): chr8:24,953,790, A>C on the plus strand (T>G on the coding strand, the complement: NEFL is on the minus strand). VCF-style: chr8-24953790-A-C. GRCh37 (hg19) VCF-style: chr8-24811304-A-C.
Other names: short protein forms L392R.
Identifiers: ClinVar variation 1740594 (VCV001740594.2), dbSNP rs1554497393, ClinGen allele CA370620728.